The following is an entry in ClinVar:

ClinVar aggregate classification (germline): Uncertain significance (1 of 4 stars; one submission).

Submission:

Ambry Genetics
Classification: Uncertain significance. Last evaluated: 2024-08-19. Review status: criteria provided, single submitter. Criteria: Ambry Variant Classification Scheme 2023. Collection method: clinical testing. Allele origin: germline.
Comment: The p.F92L variant (also known as c.274T>C), located in coding exon 3 of the PRKDC gene, results from a T to C substitution at nucleotide position 274. The phenylalanine at codon 92 is replaced by leucine, an amino acid with highly similar properties. This amino acid position is conserved. In addition, the in silico prediction for this alteration is inconclusive. Based on the available evidence, the clinical significance of this variant remains unclear.

NM_006904.7(PRKDC):c.274T>C (p.Phe92Leu)

Gene: PRKDC (protein kinase, DNA-activated, catalytic subunit; minus strand). Cytogenetic location: 8q11.21.
Variant type: single nucleotide variant.
Coding change: c.274T>C on transcript NM_006904.7 (MANE Select); coding-DNA position 274, T replaced by C.
Protein change: p.Phe92Leu; replaces phenylalanine 92 with leucine.
Molecular consequence: missense variant.
Genome position (GRCh38, 1-based): chr8:47,957,221, A>G on the plus strand (T>C on the coding strand, the complement: PRKDC is on the minus strand). VCF-style: chr8-47957221-A-G. GRCh37 (hg19) VCF-style: chr8-48869781-A-G.
Other names: c.274T>C, p.Phe92Leu (NM_001081640.2); short protein forms F92L.
Identifiers: ClinVar variation 3425302 (VCV003425302.1).